The following is an entry in ClinVar:

ClinVar aggregate classification (germline): Uncertain significance (1 of 4 stars; one submission).

Submission:

Labcorp Genetics (formerly Invitae), Labcorp
Classification: Uncertain significance. Last evaluated: 2021-01-22. Review status: criteria provided, single submitter. Criteria: Invitae Variant Classification Sherloc (09022015). Collection method: clinical testing. Allele origin: germline.
Comment: In summary, the available evidence is currently insufficient to determine the role of this variant in disease. Therefore, it has been classified as a Variant of Uncertain Significance. Algorithms developed to predict the effect of missense changes on protein structure and function (SIFT, PolyPhen-2, Align-GVGD) all suggest that this variant is likely to be tolerated, but these predictions have not been confirmed by published functional studies and their clinical significance is uncertain. This variant has not been reported in the literature in individuals with TRAF3IP1-related conditions. This variant is not present in population databases (ExAC no frequency). This sequence change replaces serine with arginine at codon 623 of the TRAF3IP1 protein (p.Ser623Arg). The serine residue is moderately conserved and there is a moderate physicochemical difference between serine and arginine.

NM_015650.4(TRAF3IP1):c.1869C>A (p.Ser623Arg)

Gene: TRAF3IP1 (TRAF3 interacting protein 1; plus strand). Cytogenetic location: 2q37.3.
Variant type: single nucleotide variant.
Coding change: c.1869C>A on transcript NM_015650.4 (MANE Select); coding-DNA position 1869, C replaced by A.
Protein change: p.Ser623Arg; replaces serine 623 with arginine.
Molecular consequence: missense variant.
Genome position (GRCh38, 1-based): chr2:238,397,638, C>A. VCF-style: chr2-238397638-C-A. GRCh37 (hg19) VCF-style: chr2-239306279-C-A.
Other names: c.1671C>A, p.Ser557Arg (NM_001139490.1); short protein forms S557R, S623R.
Identifiers: ClinVar variation 1056808 (VCV001056808.9), dbSNP rs201903517, ClinGen allele CA351246670.